The following is an entry in ClinVar:

ClinVar aggregate classification (germline): risk factor (0 of 4 stars; one submission).

Conditions:
Virus-induced diabetes. Identifiers: MedGen CN258239.

Submission:

Division of Host Defense, Kyushu University
Classification: risk factor for Virus-induced diabetes. Review status: no assertion criteria provided. Collection method: reference population. Allele origin: inherited. Affected: yes.
Comment: rs953883300, rs2304259, rs17000730, rs17000728, rs2304258 and variant NC_000019.10:g.10381501A>T are in complete linkage disequilibriumin, the haplotype was named TYK2 Promoter Variant. The entire haplotype is the risk factor for Virus-induced type 1 diabetes in Japanese. These SNPs cause mild decrease of anti-viral response.

Literature cited by the submitters: PubMed 26288847.

NM_003331.4(TYK2):c.[-1307T>A;-1308G>A-316G>A-317G>A-378A>G-482A>C]

Variant type: Haplotype.
Identifiers: ClinVar variation 440728 (VCV000440728.1).